The following is an entry in ClinVar:

ClinVar aggregate classification (germline): Benign (1 of 4 stars; one submission).

Conditions:
Lynch syndrome 5 (LYNCH5). Also called: Colorectal cancer, hereditary nonpolyposis, type 5; Hereditary non-polyposis colorectal cancer, type 5. Identifiers: Orphanet 144, MedGen C1833477, MONDO:0013710, OMIM 614350. Disease mechanism: loss of function.

Submission:

Myriad Genetics, Inc.
Classification: Benign for Lynch syndrome 5. Last evaluated: 2024-12-26. Review status: criteria provided, single submitter. Criteria: Myriad Autosomal Dominant, Autosomal Recessive and X-Linked Classification Criteria (2023). Collection method: clinical testing. Allele origin: unknown.
Comment: This variant is considered benign. This variant is a silent/synonymous amino acid change and it is not expected to impact splicing.

NM_000179.3(MSH6):c.1494G>A (p.Lys498=)

Gene: MSH6 (mutS homolog 6; plus strand). Cytogenetic location: 2p16.3.
Variant type: single nucleotide variant.
Coding change: c.1494G>A on transcript NM_000179.3 (MANE Select); coding-DNA position 1494, G replaced by A.
Protein change: p.Lys498=; no amino-acid change (lysine 498 retained).
Molecular consequence: synonymous variant. On other transcripts: non-coding transcript variant (4), intron variant (1).
Genome position (GRCh38, 1-based): chr2:47,799,477, G>A. VCF-style: chr2-47799477-G-A. GRCh37 (hg19) VCF-style: chr2-48026616-G-A.
Other names: c.1104G>A, p.Lys368= (NM_001281492.2); c.588G>A, p.Lys196= (NM_001281493.2, NM_001281494.2, NM_001406811.1 and 6 more transcripts); c.1590G>A, p.Lys530= (NM_001406795.1, NM_001406802.1); c.1494G>A, p.Lys498= (NM_001406796.1, NM_001406798.1, NM_001406800.1 and 4 more transcripts); c.1197G>A, p.Lys399= (NM_001406797.1, NM_001406801.1, NM_001406805.1 and 10 more transcripts); c.969G>A, p.Lys323= (NM_001406799.1, NM_001406806.1, NM_001406807.1); c.1416G>A, p.Lys472= (NM_001406804.1); c.1500G>A, p.Lys500= (NM_001406813.1); and 2 more.
Identifiers: ClinVar variation 3904197 (VCV003904197.1).
Genomic context (GRCh38, chr2:47,799,477, plus strand): 5'-TAAAGTAGCACGAGTGGAACAGACTGAGACTCCAGAAATGATGGAGGCACGATGTAGAAA[G>A]ATGGCACATATATCCAAGTATGATAGAGTGGTGAGGAGGGAGATCTGTAGGATCATTACC-3'
Protein context (NP_000170.1, residues 488-508): TPEMMEARCR[Lys498=]MAHISKYDRV